The following is an entry in ClinVar:

NM_002661.5(PLCG2):c.3199-123T>G

Gene: PLCG2 (phospholipase C gamma 2; plus strand). Cytogenetic location: 16q23.3.
Variant type: single nucleotide variant.
Coding change: c.3199-123T>G on transcript NM_002661.5 (MANE Select); 123 bases into the intron before coding-DNA position 3199, T replaced by G.
Molecular consequence: intron variant.
Genome position (GRCh38, 1-based): chr16:81,938,678, T>G. VCF-style: chr16-81938678-T-G. GRCh37 (hg19) VCF-style: chr16-81972283-T-G.
Identifiers: ClinVar variation 1260411 (VCV001260411.5), dbSNP rs12596299, ClinGen allele CA14270818.
Genomic context (GRCh38, chr16:81,938,678, plus strand): 5'-GGGATCTACCACAGTCCACCTTCATCCACTGCAGAAGGTTGCTCCGGCTTTTCCAGTGAA[T>G]CTAGGAAAATTAGGGCTGGCATTGAACTCATCCAGTGTCACTCTAGAACCCAGCTGCAAT-3'

ClinVar aggregate classification (germline): Benign. Review status: criteria provided, multiple submitters, no conflicts (2 of 4 stars). 3 submissions from 3 submitters: Benign (3). Last evaluated 2024-01-24.

Allele frequency attached by ClinVar (database versions not stated): 1000 Genomes Project 30x 0.40272; 1000 Genomes Project 0.40535; TOPMed 0.44319; gnomAD 0.45315 and 0.45725; gnomAD exomes 0.54702.
gnomAD v4.1: 324,061 of 618,102 alleles (52%); highest among the groups gnomAD compares: Non-Finnish European, 58%; 88,725 homozygotes.

Submissions (3):

Unidad de Genómica Garrahan, Hospital de Pediatría Garrahan
Classification: Benign. Last evaluated: 2024-01-24. Review status: criteria provided, single submitter. Criteria: ACMG Guidelines, 2015. Collection method: clinical testing. Allele origin: germline. Affected: no. Observed: 28 variant alleles.
Comment: This variant is classified as Benign based on local population frequency. This variant was detected in 29% of patients studied by a panel of primary immunodeficiencies. Number of patients: 28. Only high quality variants are reported.

GeneDx
Classification: Benign. Last evaluated: 2021-05-14. Review status: criteria provided, single submitter. Criteria: GeneDx Variant Classification Process June 2021. Collection method: clinical testing. Allele origin: germline. Affected: yes.

Breakthrough Genomics
Classification: Benign. Review status: criteria provided, single submitter. Criteria: ACMG Guidelines, 2015. Collection method: not provided. Allele origin: germline. Inheritance: Autosomal dominant inheritance. Affected: yes.